The following is an entry in ClinVar:

ClinVar aggregate classification (germline): Uncertain significance. Review status: reviewed by expert panel (3 of 4 stars). 15 submissions from 15 submitters: Uncertain significance (1). 14 of the submissions do not count toward it. Last evaluated 2026-01-04.

Conditions:
BRCA2-related cancer predisposition. Identifiers: MedGen CN377758, MONDO:0700269.
Breast and/or ovarian cancer. Identifiers: MedGen CN221562.
Hereditary cancer-predisposing syndrome. Also called: Tumor predisposition; Hereditary neoplastic syndrome; Neoplastic Syndromes, Hereditary; Hereditary Cancer Syndrome. Identifiers: Orphanet 140162, MedGen C0027672, MeSH D009386, MONDO:0015356.
Hereditary breast ovarian cancer syndrome. Also called: Hereditary breast and ovarian cancer syndrome (HBOC); Hereditary breast and ovarian cancer; Hereditary breast and ovarian cancer syndrome; Breast and ovarian cancer; Hereditary breast and/or ovarian cancer syndrome; BRCA1- and BRCA2-Associated Hereditary Breast and Ovarian Cancer. Identifiers: Orphanet 145, MedGen C0677776, MeSH D061325, MONDO:0003582. Disease mechanism: loss of function.
Breast-ovarian cancer, familial, susceptibility to, 2 (BROVCA2). Also called: BRCA2 Hereditary Breast and Ovarian Cancer. Identifiers: Orphanet 145, MedGen C2675520, MONDO:0012933, OMIM 612555. Disease mechanism: loss of function.
Familial cancer of breast. Also called: Hereditary breast cancer; hereditary breast carcinoma; BREAST CANCER, FAMILIAL. Identifiers: Orphanet 227535, MedGen C0346153, MONDO:0016419, OMIM 114480. Disease mechanism: loss of function.

Allele frequency attached by ClinVar (database versions not stated): ExAC 0.00001; gnomAD 0.00001; TOPMed 0.00001; gnomAD exomes below 0.00001.
gnomAD v4.1: 5 of 1,614,032 alleles (0.00031%); highest among the groups gnomAD compares: African/African-American, 0.0013%; no homozygotes.

Submissions 1 to 6 of 15:

ClinGen ENIGMA BRCA1 and BRCA2 Variant Curation Expert Panel, ClinGen
Classification: Uncertain significance for BRCA2-related cancer predisposition. Last evaluated: 2026-01-04. Review status: reviewed by expert panel. Criteria: CSpec BRCA12ACMG Rules Specifications V1.1. Collection method: curation. Allele origin: germline. Inheritance: Autosomal dominant inheritance.
Comment: The c.7871A>G variant in BRCA2 is a missense variant predicted to cause substitution of Tyrosine by Cysteine at amino acid 2624 (p.(Tyr2624Cys)). This variant is present in gnomAD v2.1 (exomes only, non-cancer subset) or gnomAD v3.1 (non-cancer subset) but is below the ENIGMA BRCA1/2 VCEP threshold >0.00002 for BS1_Supporting (PM2_Supporting, BS1, and BA1 are not met). Reported by three calibrated studies to exhibit protein function similar to pathogenic control variants (PMIDs:33609447, 39779857, 39779848) (PS3 met). This BRCA2 missense variant is within a key functional domain and the computational predictor BayesDel (noAF) gives a score of 0.44, above the recommended threshold of 0.30 for prediction of impact on BRCA2 function via protein change. A SpliceAI score of 0.01 predicts no impact on splicing (score threshold <0.10) (PP3 met). Multifactorial likelihood ratio analysis using clinically calibrated data produced a combined LR for this variant of 1.76 (based on Co-occurrence LR=1.1; Family History LR=1.6), which is above the ENIGMA BRCA1/2 VCEP threshold for BP5 (>0.48) and below PP4 (<2.08) (BP5 and PP4 not met; PMIDs: 31853058, 31131967). In summary, this variant meets the criteria to be classified as a Variant of uncertain significance for BRCA2-related cancer predisposition based on the ACMG/AMP criteria applied as specified by the ENIGMA BRCA1/2 VCEP (PS3, PP3).

Institute of Human Genetics, University of Leipzig Medical Center
Classification: Uncertain significance for Breast-ovarian cancer, familial, susceptibility to, 2. Last evaluated: 2025-11-14. Review status: criteria provided, single submitter. Criteria: ACMG Guidelines, 2015. Collection method: clinical testing. Allele origin: unknown. Inheritance: Autosomal dominant inheritance. Affected: yes. Not counted in ClinVar's aggregate classification.
Comment: Criteria applied: PS3,PP3

Labcorp Genetics (formerly Invitae), Labcorp
Classification: Uncertain significance for Hereditary breast ovarian cancer syndrome. Last evaluated: 2025-11-06. Review status: criteria provided, single submitter. Criteria: Invitae Variant Classification Sherloc (09022015). Collection method: clinical testing. Allele origin: germline. Not counted in ClinVar's aggregate classification.
Comment: This sequence change replaces tyrosine, which is neutral and polar, with cysteine, which is neutral and slightly polar, at codon 2624 of the BRCA2 protein (p.Tyr2624Cys). This variant is not present in population databases (gnomAD no frequency). This missense change has been observed in individual(s) with breast and/or ovarian cancer (PMID: 16758124, 25682074, 26689913, 31131967). ClinVar contains an entry for this variant (Variation ID: 96860). Invitae Evidence Modeling incorporating data from in vitro experimental studies (PMID: 33609447) did not meet the statistical confidence thresholds required to predict the impact of this variant on BRCA2 function. Experimental studies have shown that this missense change affects BRCA2 function (PMID: 29884841, 33609447). In summary, the available evidence is currently insufficient to determine the role of this variant in disease. Therefore, it has been classified as a Variant of Uncertain Significance.

German Consortium for Hereditary Breast and Ovarian Cancer, University Hospital Cologne
Classification: Uncertain significance for Hereditary breast ovarian cancer syndrome. Last evaluated: 2025-06-10. Review status: criteria provided, single submitter. Criteria: ClinGen BRCA2 V1.1.0. Collection method: curation. Allele origin: germline. Not counted in ClinVar's aggregate classification.
Comment: According to the ClinGen ENIGMA BRCA2 v1.1.0 criteria we chose these criteria: PS3 (strong pathogenic): Reported by one calibrated study to exhibit protein function similar to pathogenic control variants (PMID:33609447) (PS3 met)., PP3 (supporting pathogenic): BayesDel no-AF score >=0.30

Color Diagnostics, LLC DBA Color Health
Classification: Uncertain significance for Hereditary cancer-predisposing syndrome. Last evaluated: 2025-05-06. Review status: criteria provided, single submitter. Criteria: ACMG Guidelines, 2015. Collection method: clinical testing. Allele origin: germline. Not counted in ClinVar's aggregate classification.
Comment: This missense variant replaces tyrosine with cysteine at codon 2624 of the BRCA2 protein. Computational prediction suggests that this variant may have deleterious impact on protein structure and function. Functional studies have shown that this variant impacts BRCA2 function in a homology-directed DNA repair activity (PMID: 29884841, 33609447), in a haploid cell proliferation assay (PMID: 39779857) and in cisplatin and PARP inhibitor sensitivity assays in Brca2-deficient mouse embryonic stem cells (PMID: 39779848). This variant has been reported in individuals affected with breast or ovarian cancer (PMID: 16758124, 25682074, 26689913, 34572941). This variant also has been detected in a breast cancer case-control meta-analysis in 1/60466 cases and 2/53461 unaffected individuals (PMID: 33471991Leiden Open Variation Database DB-ID BRCA2_002572). Multifactorial analyses reported likelihood ratios (LR) reaching a combined LR of 1.501 based on co-occurrence with a pathogenic variant and personal and family history for one carrier (PMID: 31131967, 31853058). A different missense variant at this codon, p.His2623Arg, is reported as (likely) disease-causing in ClinVar (variation ID: 38123). This variant has been identified in 5/1614032 chromosomes in the general population by the Genome Aggregation Database (gnomAD v4.1.0). The available evidence is insufficient to determine the role of this variant in disease conclusively. Therefore, this variant is classified as a Variant of Uncertain Significance.

Ambry Genetics
Classification: Uncertain significance for Hereditary cancer-predisposing syndrome. Last evaluated: 2025-04-16. Review status: criteria provided, single submitter. Criteria: Ambry Variant Classification Scheme 2023. Collection method: clinical testing. Allele origin: germline. Not counted in ClinVar's aggregate classification.
Comment: The p.Y2624C variant (also known as c.7871A>G), located in coding exon 16 of the BRCA2 gene, results from an A to G substitution at nucleotide position 7871. The tyrosine at codon 2624 is replaced by cysteine, an amino acid with highly dissimilar properties. This alteration was detected in a cohort of breast and/or ovarian cancer patients (Infante M et al. J. Hum. Genet., 2006 Jul;51:611-7). This alteration is reported to have intermediate function in a homology-directed DNA repair (HDR) assay (Personal communication). This amino acid position is highly conserved in available vertebrate species. In addition, this alteration is predicted to be deleterious by in silico analysis. Based on internal structural analysis, this variant is anticipated to result in a significant decrease in structural stability (Yang H et al. Science, 2002 Sep;297:1837-48). Based on the available evidence, the clinical significance of this variant remains unclear.

NM_000059.4(BRCA2):c.7871A>G (p.Tyr2624Cys)

Gene: BRCA2 (BRCA2 DNA repair associated; plus strand). Cytogenetic location: 13q13.1.
Variant type: single nucleotide variant.
Coding change: c.7871A>G on transcript NM_000059.4 (MANE Select); coding-DNA position 7871, A replaced by G.
Protein change: p.Tyr2624Cys; replaces tyrosine 2624 with cysteine.
Molecular consequence: missense variant.
Genome position (GRCh38, 1-based): chr13:32,362,588, A>G. VCF-style: chr13-32362588-A-G. GRCh37 (hg19) VCF-style: chr13-32936725-A-G.
Other names: NM_000059.4(BRCA2):c.7871A>G; short protein forms Y2624C.
Identifiers: ClinVar variation 96860 (VCV000096860.56), dbSNP rs431825358, ClinGen allele CA025315.
Genomic context (GRCh38, chr13:32,362,588, plus strand): 5'-TGTGTGACACTCCAGGTGTGGATCCAAAGCTTATTTCTAGAATTTGGGTTTATAATCACT[A>G]TAGATGGATCATATGGAAACTGGCAGCTATGGAATGTGCCTTTCCTAAGGAATTTGCTAA-3'
Protein context (NP_000050.3, residues 2614-2634): LISRIWVYNH[Tyr2624Cys]RWIIWKLAAM